The following is an entry in ClinVar:

ClinVar aggregate classification (germline): Uncertain significance. Review status: criteria provided, multiple submitters, no conflicts (2 of 4 stars). 2 submissions from 2 submitters: Uncertain significance (2). Last evaluated 2025-01-27.

Conditions:
Diaphanospondylodysostosis. Also called: VERTEBRAL OSSIFICATION, DEFECT IN, WITH NEPHROGENIC RESTS. Identifiers: Orphanet 66637, MedGen C1842691, MONDO:0011946, OMIM 608022.

Allele frequency attached by ClinVar (database versions not stated): gnomAD exomes below 0.00001; ExAC 0.00001; gnomAD 0.00001 and 0.00002; 1000 Genomes Project 30x 0.00016; 1000 Genomes Project 0.00020.
gnomAD v4.1: 7 of 1,614,042 alleles (0.00043%); highest among the groups gnomAD compares: Non-Finnish European, 0.00059%; no homozygotes.

Submissions (2):

Labcorp Genetics (formerly Invitae), Labcorp
Classification: Uncertain significance. Last evaluated: 2025-01-27. Review status: criteria provided, single submitter. Criteria: Invitae Variant Classification Sherloc (09022015). Collection method: clinical testing. Allele origin: germline.
Comment: This sequence change replaces isoleucine, which is neutral and non-polar, with phenylalanine, which is neutral and non-polar, at codon 643 of the BMPER protein (p.Ile643Phe). This variant is present in population databases (rs528093648, gnomAD 0.0009%). This variant has not been reported in the literature in individuals affected with BMPER-related conditions. ClinVar contains an entry for this variant (Variation ID: 360117). Invitae Evidence Modeling of protein sequence and biophysical properties (such as structural, functional, and spatial information, amino acid conservation, physicochemical variation, residue mobility, and thermodynamic stability) indicates that this missense variant is not expected to disrupt BMPER protein function with a negative predictive value of 80%. In summary, the available evidence is currently insufficient to determine the role of this variant in disease. Therefore, it has been classified as a Variant of Uncertain Significance.

Illumina Laboratory Services, Illumina
Classification: Uncertain significance for Diaphanospondylodysostosis. Last evaluated: 2018-01-13. Review status: criteria provided, single submitter. Criteria: ICSL Variant Classification Criteria 13 December 2019. Collection method: clinical testing. Allele origin: germline.

NM_001365308.1(BMPER):c.1927A>T (p.Ile643Phe)

Gene: BMPER (BMP binding endothelial regulator; plus strand). Cytogenetic location: 7p14.3.
Variant type: single nucleotide variant.
Coding change: c.1927A>T on transcript NM_001365308.1 (MANE Select); coding-DNA position 1927, A replaced by T.
Protein change: p.Ile643Phe; replaces isoleucine 643 with phenylalanine.
Molecular consequence: missense variant.
Genome position (GRCh38, 1-based): chr7:34,153,142, A>T. VCF-style: chr7-34153142-A-T. GRCh37 (hg19) VCF-style: chr7-34192754-A-T.
Other names: c.1927A>T, p.Ile643Phe (NM_133468.5); short protein forms I643F.
Identifiers: ClinVar variation 360117 (VCV000360117.9), dbSNP rs528093648, ClinGen allele CA4215566.